The following is an entry in ClinVar:

ClinVar aggregate classification (germline): Likely benign (1 of 4 stars; one submission).

Submission:

CeGaT Center for Human Genetics Tuebingen
Classification: Likely benign. Last evaluated: 2024-09-01. Review status: criteria provided, single submitter. Criteria: CeGaT Center For Human Genetics Tuebingen Variant Classification Criteria Version 2. Collection method: clinical testing. Allele origin: germline. Affected: yes. Observed: 1 variant allele.
Comment: CSPP1: PM2:Supporting, BP4, BP7

NM_001382391.1(CSPP1):c.-10-4491T>G

Gene: CSPP1 (centrosome and spindle pole associated protein 1; plus strand). Cytogenetic location: 8q13.1.
Variant type: single nucleotide variant.
Coding change: c.-10-4491T>G on transcript NM_001382391.1 (MANE Select); 4491 bases into the intron before 10 bases upstream of the start codon, T replaced by G.
Molecular consequence: intron variant.
Genome position (GRCh38, 1-based): chr8:67,069,752, T>G. VCF-style: chr8-67069752-T-G. GRCh37 (hg19) VCF-style: chr8-67981987-T-G.
Other names: c.-10-4491T>G (NM_001363132.2, NM_001363131.2, NM_001363133.2); c.99-4491T>G (NM_001364869.1, NM_024790.7, NM_001438331.1 and 3 more transcripts).
Identifiers: ClinVar variation 3389433 (VCV003389433.14).